The following is an entry in ClinVar:

ClinVar aggregate classification (germline): Uncertain significance (1 of 4 stars; one submission).

Conditions:
Ulnar-mammary syndrome (UMS). Also called: SCHINZEL SYNDROME; PALLISTER ULNAR-MAMMARY SYNDROME; Ulnar-mammary syndrome of Pallister. Identifiers: Orphanet 3138, MedGen C1866994, MONDO:0008411, OMIM 181450.

Submission:

Labcorp Genetics (formerly Invitae), Labcorp
Classification: Uncertain significance for Ulnar-mammary syndrome. Last evaluated: 2024-08-21. Review status: criteria provided, single submitter. Criteria: Invitae Variant Classification Sherloc (09022015). Collection method: clinical testing. Allele origin: germline.
Comment: This sequence change replaces alanine, which is neutral and non-polar, with serine, which is neutral and polar, at codon 16 of the TBX3 protein (p.Ala16Ser). This variant is not present in population databases (gnomAD no frequency). This variant has not been reported in the literature in individuals affected with TBX3-related conditions. An algorithm developed to predict the effect of missense changes on protein structure and function (PolyPhen-2) suggests that this variant is likely to be disruptive. In summary, the available evidence is currently insufficient to determine the role of this variant in disease. Therefore, it has been classified as a Variant of Uncertain Significance.

NM_005996.4(TBX3):c.46G>T (p.Ala16Ser)

Genes: TBX3-AS1 (TBX3 antisense RNA 1; plus strand), TBX3 (T-box transcription factor 3; minus strand). Cytogenetic location: 12q24.21.
Variant type: single nucleotide variant.
Coding change: c.46G>T on transcript NM_005996.4 (MANE Select); coding-DNA position 46, G replaced by T.
Protein change: p.Ala16Ser; replaces alanine 16 with serine.
Molecular consequence: missense variant.
Genome position (GRCh38, 1-based): chr12:114,683,155, C>A on the plus strand (G>T on the coding strand, the complement: TBX3 is on the minus strand). VCF-style: chr12-114683155-C-A. GRCh37 (hg19) VCF-style: chr12-115120960-C-A.
Other names: c.46G>T, p.Ala16Ser (NM_016569.4); short protein forms A16S.
Identifiers: ClinVar variation 3663091 (VCV003663091.2).
Genomic context (GRCh38, chr12:114,683,155, plus strand): 5'-GACCCAGCACCGCGCTCATGGCGAAGTCCGGCGCCCGGTGAGGTAGGAACGGATGGTAGG[C>A]CATGCTTGTCCCAGGAATGACCGGATCTCTCATGGAGAGGCTCATCCACTCCAGGCGGGG-3'
Protein context (NP_005987.3, residues 6-26): RDPVIPGTSM[Ala16Ser]YHPFLPHRAP